The following is an entry in ClinVar:

NM_017780.4(CHD7):c.8196C>G (p.Ala2732=)

Gene: CHD7 (chromodomain helicase DNA binding protein 7; plus strand). Cytogenetic location: 8q12.2.
Variant type: single nucleotide variant.
Coding change: c.8196C>G on transcript NM_017780.4 (MANE Select); coding-DNA position 8196, C replaced by G.
Protein change: p.Ala2732=; no amino-acid change (alanine 2732 retained).
Molecular consequence: synonymous variant.
Genome position (GRCh38, 1-based): chr8:60,865,135, C>G. VCF-style: chr8-60865135-C-G. GRCh37 (hg19) VCF-style: chr8-61777694-C-G.
Other names: c.2049C>G, p.Ala683= (NM_001316690.1).
Identifiers: ClinVar variation 2658624 (VCV002658624.24), dbSNP rs375800664, ClinGen allele CA461105795.

ClinVar aggregate classification (germline): Likely benign (1 of 4 stars; one submission).

Submission:

CeGaT Center for Human Genetics Tuebingen
Classification: Likely benign. Last evaluated: 2025-04-01. Review status: criteria provided, single submitter. Criteria: CeGaT Center For Human Genetics Tuebingen Variant Classification Criteria Version 2. Collection method: clinical testing. Allele origin: germline. Affected: yes. Observed: 2 variant alleles.
Comment: CHD7: PM2:Supporting, BP4, BP7